The following is an entry in ClinVar:

ClinVar aggregate classification (germline): Likely benign. Review status: criteria provided, multiple submitters, no conflicts (2 of 4 stars). 2 submissions from 2 submitters: Likely benign (2). Last evaluated 2023-08-25.

Conditions:
Catecholaminergic polymorphic ventricular tachycardia (CVPT). Also called: Catecholamine-induced polymorphic ventricular tachycardia. Identifiers: Orphanet 3286, MedGen C5574922, MONDO:0017990.
Cardiomyopathy (CMYO). Also called: Cardiomyopathies. Identifiers: Orphanet 167848, MedGen C0878544, MONDO:0004994, HP:0001638. Inheritance: Various modes of inheritance.

Allele frequency attached by ClinVar (database versions not stated): gnomAD exomes below 0.00001.
gnomAD v4.1: 1 of 1,551,374 alleles (0.000064%); highest among the groups gnomAD compares: Non-Finnish European, 0.000087%; no homozygotes.

Submissions (2):

All of Us Research Program, National Institutes of Health
Classification: Likely benign for Catecholaminergic polymorphic ventricular tachycardia. Last evaluated: 2023-08-25. Review status: criteria provided, single submitter. Criteria: ACMG Guidelines, 2015. Collection method: clinical testing. Allele origin: germline. Inheritance: Autosomal dominant inheritance. Observed: 1 variant allele, 1 heterozygote.
Comment: This study involves interpretation of variants in research participants for the purpose of population health screening. Participant phenotype was not available at the time of variant classification. Additional details can be found in publication PMID: 35346344, PMCID: PMC8962531

Color Diagnostics, LLC DBA Color Health
Classification: Likely benign for Cardiomyopathy. Last evaluated: 2020-01-10. Review status: criteria provided, single submitter. Criteria: ACMG Guidelines, 2015. Collection method: clinical testing. Allele origin: germline.

NM_001035.3(RYR2):c.11533C>T (p.Leu3845=)

Gene: RYR2 (ryanodine receptor 2; plus strand). Cytogenetic location: 1q43.
Variant type: single nucleotide variant.
Coding change: c.11533C>T on transcript NM_001035.3 (MANE Select); coding-DNA position 11533, C replaced by T.
Protein change: p.Leu3845=; no amino-acid change (leucine 3845 retained).
Molecular consequence: synonymous variant.
Genome position (GRCh38, 1-based): chr1:237,770,863, C>T. VCF-style: chr1-237770863-C-T. GRCh37 (hg19) VCF-style: chr1-237934163-C-T.
Identifiers: ClinVar variation 927932 (VCV000927932.3), dbSNP rs1694213736, ClinGen allele CA423822326.
Genomic context (GRCh38, chr1:237,770,863, plus strand): 5'-ACAGGAGAAAAGGTTCTGCAGGACGATGAGTTCACCTGTGACCTCTTCCGATTCCTGCAA[C>T]TACTCTGTGAGGGACACAACTCAGGTTTGTGAGTCCCCGGAACTTCTGATGATACTAAGG-3'
Protein context (NP_001026.2, residues 3835-3855): FTCDLFRFLQ[Leu3845=]LCEGHNSDFQ